The following is an entry in ClinVar:

ClinVar aggregate classification (germline): Conflicting classifications of pathogenicity. Review status: criteria provided, conflicting classifications (1 of 4 stars). 4 submissions from 4 submitters: Likely pathogenic (1); Uncertain significance (1). 2 of the submissions do not count toward it. Last evaluated 2024-10-08.

Conditions:
Glucose-6-phosphate transport defect (GSD1B). Also called: Glycogen Storage Disease Type Ib; GSD Ib. Identifiers: Orphanet 364, Orphanet 79259, MedGen C0268146, MONDO:0009288, OMIM 232220.

Allele frequency attached by ClinVar (database versions not stated): TOPMed below 0.00001; gnomAD 0.00001.

Submissions (4):

Natera, Inc.
Classification: Likely pathogenic for Glycogen storage disease type Ib. Last evaluated: 2024-10-08. Review status: criteria provided, single submitter. Criteria: Natera Variant Classification Schema (03/2026). Collection method: clinical testing. Allele origin: germline.
Comment: The c.833T>A variant in SLC37A4 is a missense variant predicted to cause substitution of isoleucine to asparagine at amino acid 278. This variant is rare in the general population with a frequency below the threshold expected for the associated phenotype(s). This variant has been observed in one or more individuals affected with the associated recessive disease, as either homozygous or compound heterozygous with a second variant (PMID: 10940311). Functional studies show that this variant may disrupt protein function (PMID: 10940311, 12444104). Computational prediction algorithms indicate this variant is likely to affect gene or protein function. Given the available evidence, this variant is classified as Likely Pathogenic.

Labcorp Genetics (formerly Invitae), Labcorp
Classification: Uncertain significance for Glucose-6-phosphate transport defect. Last evaluated: 2022-06-14. Review status: criteria provided, single submitter. Criteria: Invitae Variant Classification Sherloc (09022015). Collection method: clinical testing. Allele origin: germline.
Comment: This sequence change replaces isoleucine, which is neutral and non-polar, with asparagine, which is neutral and polar, at codon 278 of the SLC37A4 protein (p.Ile278Asn). This variant is not present in population databases (gnomAD no frequency). This missense change has been observed in individual(s) with glycogen storage disease 1b (PMID: 10940311). This variant is also known as 1002T>A. ClinVar contains an entry for this variant (Variation ID: 68292). Algorithms developed to predict the effect of variants on protein structure and function are not available or were not evaluated for this variant. Experimental studies have shown that this missense change affects SLC37A4 function (PMID: 10940311, 12444104, 18835800). In summary, the available evidence is currently insufficient to determine the role of this variant in disease. Therefore, it has been classified as a Variant of Uncertain Significance.

Counsyl
Classification: Likely pathogenic for Glucose-6-phosphate transport defect. Last evaluated: 2014-10-17. Review status: no assertion criteria provided. Collection method: literature only. Allele origin: unknown. Inheritance: Autosomal recessive inheritance. Not counted in ClinVar's aggregate classification.

UniProtKB/Swiss-Prot
No classification provided. Review status: no classification provided. Collection method: not provided. Allele origin: not provided. Not counted in ClinVar's aggregate classification.

Literature cited by the submitters: PubMed 10940311 (cited by 3 submitters); PubMed 12444104 (cited by 3 submitters); PubMed 18835800 (cited by Labcorp Genetics (formerly Invitae), Labcorp and Counsyl); PubMed 11949931 (cited by Counsyl); PubMed 15260472 (cited by Counsyl).

NM_001164277.2(SLC37A4):c.833T>A (p.Ile278Asn)

Gene: SLC37A4 (solute carrier family 37 member 4; minus strand). Cytogenetic location: 11q23.3.
Variant type: single nucleotide variant.
Coding change: c.833T>A on transcript NM_001164277.2 (MANE Select); coding-DNA position 833, T replaced by A.
Protein change: p.Ile278Asn; replaces isoleucine 278 with asparagine.
Molecular consequence: missense variant.
Genome position (GRCh38, 1-based): chr11:119,026,640, A>T on the plus strand (T>A on the coding strand, the complement: SLC37A4 is on the minus strand). VCF-style: chr11-119026640-A-T. GRCh37 (hg19) VCF-style: chr11-118897350-A-T.
Other names: c.833T>A, p.Ile278Asn (NM_001164278.2, NM_001164280.2, NM_001467.6); c.614T>A, p.Ile205Asn (NM_001164279.2); short protein forms I278N, I205N.
Identifiers: ClinVar variation 68292 (VCV000068292.6), dbSNP rs193302900, ClinGen allele CA219355.
Genomic context (GRCh38, chr11:119,026,640, plus strand): 5'-TCCTGTCCCTTCTGCCCGCTCACCTTTGCCATGGCCCGGTCTGACAGGTAGCCAGCTGCG[A>T]TGCTGCCTACAAGGCCCCCAACTTCCAGGGCACTCATGTAGGAGCTACCTGCAGTAGGGA-3'
Protein context (NP_001157749.1, residues 268-288): ALEVGGLVGS[Ile278Asn]AAGYLSDRAM